The following is an entry in ClinVar:

NM_001378454.1(ALMS1):c.5157del (p.Ile1719fs)

Gene: ALMS1 (ALMS1 centrosome and basal body associated protein; plus strand). Cytogenetic location: 2p13.1.
Variant type: Deletion.
Coding change: c.5157del on transcript NM_001378454.1 (MANE Select); coding-DNA position 5157, one base deleted (T; older notation c.5157delT).
Protein change: p.Ile1719fs; shifts the reading frame from isoleucine 1719.
Molecular consequence: frameshift variant.
Genome position (GRCh38, 1-based): chr2:73,451,684, T deleted; the last of 2 consecutive T bases (chr2:73,451,683-73,451,684); deleting either gives the same sequence. VCF-style (leftmost placement, unchanged base first): chr2-73451682-AT-A. GRCh37 (hg19) VCF-style: chr2-73678809-AT-A.
Other names: c.5160del, p.Ile1720fs (NM_015120.4); short protein forms I1719fs, I1720fs.
Identifiers: ClinVar variation 4815790 (VCV004815790.1).

ClinVar aggregate classification (germline): Likely pathogenic (1 of 4 stars; one submission).

Conditions:
Alstrom syndrome (ALMS). Identifiers: Orphanet 64, MedGen C0268425, MONDO:0008763, OMIM 203800.

Submission:

Natera, Inc.
Classification: Likely pathogenic for Alstrom syndrome. Last evaluated: 2024-08-20. Review status: criteria provided, single submitter. Criteria: Natera Variant Classification Schema (03/2026). Collection method: clinical testing. Allele origin: germline.
Comment: The c.5160del variant in ALMS1 is a frameshift variant predicted to shift the reading frame beginning at codon 1720 and leads to a stop codon 13 codons downstream. This variant is expected to result in nonsense mediated decay, truncation, or a dysfunctional protein product. This variant is rare in the general population with a frequency below the threshold expected for the associated phenotype(s). Given the available evidence, this variant is classified as Likely Pathogenic.